The following is an entry in ClinVar:

ClinVar aggregate classification (germline): Conflicting classifications of pathogenicity. Review status: criteria provided, conflicting classifications (1 of 4 stars). 3 submissions from 3 submitters: Pathogenic (1); Likely pathogenic (1); Uncertain significance (1). Last evaluated 2026-08-05.

Conditions:
Hereditary cancer-predisposing syndrome. Also called: Tumor predisposition; Hereditary neoplastic syndrome; Neoplastic Syndromes, Hereditary; Hereditary Cancer Syndrome. Identifiers: Orphanet 140162, MedGen C0027672, MeSH D009386, MONDO:0015356.
Cardiovascular phenotype. Identifiers: MedGen CN230736.
Neurofibromatosis, type 1 (NF1). Also called: VON RECKLINGHAUSEN DISEASE; NEUROFIBROMATOSIS, TYPE I, SOMATIC; Peripheral type neurofibromatosis; Neurofibromatosis, type I. Identifiers: Orphanet 636, MedGen C0027831, MONDO:0018975, OMIM 162200. Disease mechanism: loss of function.

Submissions (3):

Ambry Genetics
Classification: Likely pathogenic for Cardiovascular phenotype; Hereditary cancer-predisposing syndrome. Last evaluated: 2026-08-05. Review status: criteria provided, single submitter. Criteria: Ambry Variant Classification Scheme 2023. Collection method: clinical testing. Allele origin: germline.
Comment: The c.4514+2dupT intronic variant, results from a duplication of two nucleotides at nucleotide position 4514 after intron 33 of the NF1 gene. This variant was reported in individual(s) with features consistent with neurofibromatosis type 1 (Ambry internal data). This nucleotide position is highly conserved in available vertebrate species. In silico splice site analysis predicts that this alteration will weaken the native splice donor site. RNA studies have demonstrated that this variant results in abnormal splicing in the set of samples tested (Ambry internal data). This variant is considered to be rare based on population cohorts in the Genome Aggregation Database (gnomAD). Based on the majority of available evidence to date, this variant is likely to be pathogenic.

Labcorp Genetics (formerly Invitae), Labcorp
Classification: Pathogenic for Neurofibromatosis, type 1. Last evaluated: 2024-06-03. Review status: criteria provided, single submitter. Criteria: Invitae Variant Classification Sherloc (09022015). Collection method: clinical testing. Allele origin: germline.
Comment: This sequence change falls in intron 33 of the NF1 gene. It does not directly change the encoded amino acid sequence of the NF1 protein. RNA analysis indicates that this variant induces altered splicing and likely results in a shortened protein product. This variant is not present in population databases (gnomAD no frequency). This variant has not been reported in the literature in individuals affected with NF1-related conditions. ClinVar contains an entry for this variant (Variation ID: 846370). Variants that disrupt the consensus splice site are a relatively common cause of aberrant splicing (PMID: 17576681, 9536098). Studies have shown that this variant results in skipping of exon 33, but is expected to preserve the integrity of the reading-frame (Invitae). This variant disrupts a region of the NF1 protein in which other variant(s) (p.Gly1498Glu) have been determined to be pathogenic (PMID: 26635368). This suggests that this is a clinically significant region of the protein, and that variants that disrupt it are likely to be disease-causing. For these reasons, this variant has been classified as Pathogenic.

Greenwood Genetic Center Diagnostic Laboratories, Greenwood Genetic Center
Classification: Uncertain significance. Last evaluated: 2022-11-01. Review status: criteria provided, single submitter. Criteria: ACMG Guidelines, 2015. Collection method: clinical testing. Allele origin: germline. Affected: yes.
Comment: PP3_Moderate, PM2

Literature cited by the submitters: PubMed 17576681 (cited by Labcorp Genetics (formerly Invitae), Labcorp); PubMed 9536098 (cited by Labcorp Genetics (formerly Invitae), Labcorp); PubMed 26635368 (cited by Labcorp Genetics (formerly Invitae), Labcorp).

NM_001042492.3(NF1):c.4577+2dup

Gene: NF1 (neurofibromin 1; plus strand). Cytogenetic location: 17q11.2.
Variant type: Duplication.
Coding change: c.4577+2dup on transcript NM_001042492.3 (MANE Select); the canonical splice donor site of the intron after coding-DNA position 4577, one base duplicated (T; older notation c.4577+2dupT).
Molecular consequence: splice donor variant.
Genome position (GRCh38, 1-based): chr17:31,260,517, T duplicated. VCF-style (leftmost placement, unchanged base first): chr17-31260516-G-GT. GRCh37 (hg19) VCF-style: chr17-29587534-G-GT.
Other names: c.4514+2dup (NM_000267.4); c.4514+2dupT (NM_000267.3).
Identifiers: ClinVar variation 846370 (VCV000846370.11), dbSNP rs2067666266, ClinGen allele CA916080604.
Genomic context (GRCh38, chr17:31,260,516, plus strand): 5'-TTTACATCGTCTACTCTGGAACAATCAGGAGAAAATTGGGCAGTATCTTTCCAGCAACAG[G>GT]TAAGATTTCCCAGTCATGGGGATAGTGAACACTCTCCGTTTAAATTTAGATTAATACAAT-3'